The following is an entry in ClinVar:

ClinVar aggregate classification (germline): Uncertain significance (1 of 4 stars; one submission).

Allele frequency attached by ClinVar (database versions not stated): gnomAD exomes below 0.00001; gnomAD 0.00001; TOPMed 0.00001.
gnomAD v4.1: 8 of 1,612,488 alleles (0.0005%); highest among the groups gnomAD compares: African/African-American, 0.0013%; no homozygotes.

Submission:

Labcorp Genetics (formerly Invitae), Labcorp
Classification: Uncertain significance. Last evaluated: 2022-05-16. Review status: criteria provided, single submitter. Criteria: Invitae Variant Classification Sherloc (09022015). Collection method: clinical testing. Allele origin: germline.
Comment: This sequence change replaces glutamine, which is neutral and polar, with arginine, which is basic and polar, at codon 466 of the MPDZ protein (p.Gln466Arg). This variant is present in population databases (no rsID available, gnomAD 0.002%). This variant has not been reported in the literature in individuals affected with MPDZ-related conditions. Algorithms developed to predict the effect of missense changes on protein structure and function (SIFT, PolyPhen-2, Align-GVGD) all suggest that this variant is likely to be tolerated. In summary, the available evidence is currently insufficient to determine the role of this variant in disease. Therefore, it has been classified as a Variant of Uncertain Significance.

NM_001378778.1(MPDZ):c.1397A>G (p.Gln466Arg)

Gene: MPDZ (multiple PDZ domain crumbs cell polarity complex component; minus strand). Cytogenetic location: 9p23.
Variant type: single nucleotide variant.
Coding change: c.1397A>G on transcript NM_001378778.1 (MANE Select); coding-DNA position 1397, A replaced by G.
Protein change: p.Gln466Arg; replaces glutamine 466 with arginine.
Molecular consequence: missense variant.
Genome position (GRCh38, 1-based): chr9:13,205,993, T>C on the plus strand (A>G on the coding strand, the complement: MPDZ is on the minus strand). VCF-style: chr9-13205993-T-C. GRCh37 (hg19) VCF-style: chr9-13205992-T-C.
Other names: c.1397A>G, p.Gln466Arg (NM_001261406.2, NM_001261407.2, NM_001330637.2 and 14 more transcripts); short protein forms Q466R.
Identifiers: ClinVar variation 1929527 (VCV001929527.2), dbSNP rs1283324708, ClinGen allele CA372943218.